The following is an entry in ClinVar:

ClinVar aggregate classification (germline): Uncertain significance. Review status: criteria provided, multiple submitters, no conflicts (2 of 4 stars). 2 submissions from 2 submitters: Uncertain significance (2). Last evaluated 2023-04-25.

Conditions:
Hermansky-Pudlak syndrome 2 (HPS2). Also called: Platelet defects and oculocutaneous albinism. Identifiers: Orphanet 183678, Orphanet 79430, MedGen C1842362, MONDO:0011997, OMIM 608233.
Inborn genetic diseases. Identifiers: MedGen C0950123, MeSH D030342.

Allele frequency attached by ClinVar (database versions not stated): ExAC 0.00001; gnomAD exomes 0.00001; TOPMed 0.00002; gnomAD 0.00003; 1000 Genomes Project 0.00020; 1000 Genomes Project 30x 0.00031.

Submissions (2):

Ambry Genetics
Classification: Uncertain significance for Inborn genetic diseases. Last evaluated: 2023-04-25. Review status: criteria provided, single submitter. Criteria: Ambry Variant Classification Scheme 2023. Collection method: clinical testing. Allele origin: germline.

Labcorp Genetics (formerly Invitae), Labcorp
Classification: Uncertain significance for Hermansky-Pudlak syndrome 2. Last evaluated: 2022-10-05. Review status: criteria provided, single submitter. Criteria: Invitae Variant Classification Sherloc (09022015). Collection method: clinical testing. Allele origin: germline.
Comment: This sequence change replaces methionine, which is neutral and non-polar, with valine, which is neutral and non-polar, at codon 293 of the AP3B1 protein (p.Met293Val). This variant is present in population databases (rs538390986, gnomAD 0.006%). This variant has not been reported in the literature in individuals affected with AP3B1-related conditions. ClinVar contains an entry for this variant (Variation ID: 855357). Algorithms developed to predict the effect of missense changes on protein structure and function (SIFT, PolyPhen-2, Align-GVGD) all suggest that this variant is likely to be tolerated. In summary, the available evidence is currently insufficient to determine the role of this variant in disease. Therefore, it has been classified as a Variant of Uncertain Significance.

NM_003664.5(AP3B1):c.877A>G (p.Met293Val)

Gene: AP3B1 (adaptor related protein complex 3 subunit beta 1; minus strand). Cytogenetic location: 5q14.1.
Variant type: single nucleotide variant.
Coding change: c.877A>G on transcript NM_003664.5 (MANE Select); coding-DNA position 877, A replaced by G.
Protein change: p.Met293Val; replaces methionine 293 with valine.
Molecular consequence: missense variant.
Genome position (GRCh38, 1-based): chr5:78,181,572, T>C on the plus strand (A>G on the coding strand, the complement: AP3B1 is on the minus strand). VCF-style: chr5-78181572-T-C. GRCh37 (hg19) VCF-style: chr5-77477396-T-C.
Other names: c.730A>G, p.Met244Val (NM_001271769.2); c.877A>G (NM_003664.3); short protein forms M244V, M293V.
Identifiers: ClinVar variation 855357 (VCV000855357.8), dbSNP rs538390986, ClinGen allele CA3317270.